The following is an entry in ClinVar:

ClinVar aggregate classification (germline): Likely pathogenic (1 of 4 stars; one submission).

Conditions:
Progressive microcephaly-seizures-cortical blindness-developmental delay syndrome. Also called: Seizures, cortical blindness, and microcephaly syndrome. Identifiers: Orphanet 477814, MedGen C5567650, MONDO:0014714, OMIM 616632.
Autosomal dominant nonsyndromic hearing loss 1. Also called: KONIGSMARK SYNDROME; DEAFNESS, AUTOSOMAL DOMINANT 1, WITH OR WITHOUT THROMBOCYTOPENIA. Identifiers: Orphanet 90635, MedGen C1852282, MONDO:0007424, OMIM 124900.

Submission:

Labcorp Genetics (formerly Invitae), Labcorp
Classification: Likely pathogenic for Progressive microcephaly-seizures-cortical blindness-developmental delay syndrome; Autosomal dominant nonsyndromic hearing loss 1. Last evaluated: 2024-06-26. Review status: criteria provided, single submitter. Criteria: Invitae Variant Classification Sherloc (09022015). Collection method: clinical testing. Allele origin: germline.
Comment: This sequence change affects a donor splice site in intron 5 of the DIAPH1 gene. It is expected to disrupt RNA splicing. Variants that disrupt the donor or acceptor splice site typically lead to a loss of protein function (PMID: 16199547), and loss-of-function variants in DIAPH1 are known to be pathogenic (PMID: 24781755, 26463574). This variant is not present in population databases (gnomAD no frequency). Disruption of this splice site has been observed in individual(s) with developmental delay and autism (PMID: 33057194, 35982159). Algorithms developed to predict the effect of sequence changes on RNA splicing suggest that this variant may disrupt the consensus splice site. In summary, the currently available evidence indicates that the variant is pathogenic, but additional data are needed to prove that conclusively. Therefore, this variant has been classified as Likely Pathogenic.

Literature cited by the submitters: PubMed 16199547; PubMed 24781755; PubMed 26463574; PubMed 33057194; PubMed 35982159.

NM_005219.5(DIAPH1):c.533+1G>T

Gene: DIAPH1 (diaphanous related formin 1; minus strand). Cytogenetic location: 5q31.3.
Variant type: single nucleotide variant.
Coding change: c.533+1G>T on transcript NM_005219.5 (MANE Select); the canonical splice donor site of the intron after coding-DNA position 533, G replaced by T.
Molecular consequence: splice donor variant.
Genome position (GRCh38, 1-based): chr5:141,583,484, C>A on the plus strand (G>T on the coding strand, the complement: DIAPH1 is on the minus strand). VCF-style: chr5-141583484-C-A. GRCh37 (hg19) VCF-style: chr5-140963051-C-A.
Other names: c.506+1G>T (NM_001079812.3); c.533+1G>T (NM_001314007.2).
Identifiers: ClinVar variation 3749097 (VCV003749097.2).
Genomic context (GRCh38, chr5:141,583,484, plus strand): 5'-ATCACCACCAGTGAAGTCCAACATTTGGCTCCTACTCCTGTTACCTCCTCAGAATCCTCA[C>A]CTGACAGGGTTGTTGTTGAGAGACACACGAAGGGACTCCAGGCAGCTGAGCAGAGGCATA-3'